The following is an entry in ClinVar:

ClinVar aggregate classification (germline): Pathogenic. Review status: criteria provided, multiple submitters, no conflicts (2 of 4 stars). 3 submissions from 3 submitters: Pathogenic (2). 1 of the submissions does not count toward it. Last evaluated 2023-09-26.

Conditions:
CREBBP-related disorder. Also called: CREBBP-related condition; CREBBP-related disorders.
Rubinstein-Taybi syndrome due to CREBBP mutations (RSTS1). Also called: BROAD THUMB-HALLUX SYNDROME; RUBINSTEIN-TAYBI SYNDROME 1, INCOMPLETE; BROAD THUMBS AND GREAT TOES, CHARACTERISTIC FACIES, AND IMPAIRED INTELLECTUAL DEVELOPMENT; Rubinstein-Taybi syndrome 1; CREBBP-Related Rubinstein-Taybi Syndrome; RUBINSTEIN SYNDROME. Identifiers: Orphanet 353277, Orphanet 783, MedGen C4551859, MONDO:0008393, OMIM 180849.

Submissions (3):

Women's Health and Genetics/Laboratory Corporation of America, LabCorp
Classification: Pathogenic for Rubinstein-Taybi syndrome due to CREBBP mutations. Last evaluated: 2023-09-26. Review status: criteria provided, single submitter. Criteria: LabCorp Variant Classification Summary - May 2015. Collection method: clinical testing. Allele origin: germline.
Comment: Variant summary: CREBBP c.598C>T (p.Gln200X) results in a premature termination codon, predicted to cause a truncation of the encoded protein or absence of the protein due to nonsense mediated decay, which are commonly known mechanisms for disease. The variant was absent in 251488 control chromosomes (gnomAD). To our knowledge, no occurrence of c.598C>T in individuals affected with Rubinstein-Taybi Syndrome and no experimental evidence demonstrating its impact on protein function have been reported. No submitters have reported clinical-significance assessments for this variant to ClinVar after 2014. Based on the evidence outlined above, the variant was classified as pathogenic.

Genetic Services Laboratory, University of Chicago
Classification: Pathogenic for Rubinstein-Taybi syndrome. Last evaluated: 2013-02-08. Review status: criteria provided, single submitter. Criteria: ACMG Guidelines, 2007. Collection method: clinical testing. Allele origin: germline. Inheritance: Autosomal dominant inheritance. Affected: yes.

PreventionGenetics, part of Exact Sciences
Classification: Likely pathogenic for CREBBP-related condition. Last evaluated: 2024-06-30. Review status: no assertion criteria provided. Collection method: clinical testing. Allele origin: germline. Not counted in ClinVar's aggregate classification.
Comment: The CREBBP c.598C>T variant is predicted to result in premature protein termination (p.Gln200*). To our knowledge, this variant has not been reported in affected individuals or in a large population database, indicating this variant is rare. Nonsense variants in CREBBP are expected to be pathogenic. This variant is interpreted as likely pathogenic.

NM_004380.3(CREBBP):c.598C>T (p.Gln200Ter)

Gene: CREBBP (CREB binding lysine acetyltransferase; minus strand). Cytogenetic location: 16p13.3.
Variant type: single nucleotide variant.
Coding change: c.598C>T on transcript NM_004380.3 (MANE Select); coding-DNA position 598, C replaced by T.
Protein change: p.Gln200Ter; replaces glutamine 200 with a stop codon.
Molecular consequence: nonsense.
Genome position (GRCh38, 1-based): chr16:3,850,497, G>A on the plus strand (C>T on the coding strand, the complement: CREBBP is on the minus strand). VCF-style: chr16-3850497-G-A. GRCh37 (hg19) VCF-style: chr16-3900498-G-A.
Other names: c.598C>T, p.Gln200Ter (NM_001079846.1); short protein forms Q200*.
Identifiers: ClinVar variation 158393 (VCV000158393.8), dbSNP rs587783509, ClinGen allele CA271434.